The following is an entry in ClinVar:

NM_198253.3(TERT):c.1055C>T (p.Pro352Leu)

Gene: TERT (telomerase reverse transcriptase; minus strand). Cytogenetic location: 5p15.33.
Variant type: single nucleotide variant.
Coding change: c.1055C>T on transcript NM_198253.3 (MANE Select); coding-DNA position 1055, C replaced by T.
Protein change: p.Pro352Leu; replaces proline 352 with leucine.
Molecular consequence: missense variant. On other transcripts: non-coding transcript variant (2).
Genome position (GRCh38, 1-based): chr5:1,293,831, G>A on the plus strand (C>T on the coding strand, the complement: TERT is on the minus strand). VCF-style: chr5-1293831-G-A. GRCh37 (hg19) VCF-style: chr5-1293946-G-A.
Other names: c.1055C>T, p.Pro352Leu (NM_001193376.3); short protein forms P352L.
Identifiers: ClinVar variation 5030624 (VCV005030624.1).

ClinVar aggregate classification (germline): Uncertain significance (1 of 4 stars; one submission).

Conditions:
Dyskeratosis congenita. Identifiers: Orphanet 1775, MedGen C0265965, MONDO:0015780.

gnomAD v4.1: 3 of 1,549,374 alleles (0.00019%); highest among the groups gnomAD compares: East Asian, 0.0024%; no homozygotes.

Submission:

Ambry Genetics
Classification: Uncertain significance for Dyskeratosis congenita. Last evaluated: 2026-07-07. Review status: criteria provided, single submitter. Criteria: Ambry Variant Classification Scheme 2023. Collection method: clinical testing. Allele origin: germline.
Comment: The p.P352L variant (also known as c.1055C>T), located in coding exon 2 of the TERT gene, results from a C to T substitution at nucleotide position 1055. The proline at codon 352 is replaced by leucine, an amino acid with similar properties. This amino acid position is not well conserved in available vertebrate species. In addition, the in silico prediction for this alteration is inconclusive. Based on the available evidence, the clinical significance of this variant remains unclear.